The following is an entry in ClinVar:

NM_000702.4(ATP1A2):c.1091C>T (p.Thr364Met)

Gene: ATP1A2 (ATPase Na+/K+ transporting subunit alpha 2; plus strand). Cytogenetic location: 1q23.2.
Variant type: single nucleotide variant.
Coding change: c.1091C>T on transcript NM_000702.4 (MANE Select); coding-DNA position 1091, C replaced by T.
Protein change: p.Thr364Met; replaces threonine 364 with methionine.
Molecular consequence: missense variant.
Genome position (GRCh38, 1-based): chr1:160,128,725, C>T. VCF-style: chr1-160128725-C-T. GRCh37 (hg19) VCF-style: chr1-160098515-C-T.
Other names: short protein forms T364M.
Identifiers: ClinVar variation 204884 (VCV000204884.53), dbSNP rs1553244881, ClinGen allele CA313271.

ClinVar aggregate classification (germline): Pathogenic/Likely pathogenic. Review status: criteria provided, multiple submitters, no conflicts (2 of 4 stars). 10 submissions from 10 submitters: Pathogenic (6); Likely pathogenic (1). 3 of the submissions do not count toward it. Last evaluated 2026-03-30.

Conditions:
Developmental and epileptic encephalopathy 98. Identifiers: MedGen C5562017, MONDO:0030472, OMIM 619605.
ATP1A2-related disorder. Also called: ATP1A2-RELATED DISORDERS; ATP1A2-related condition.
Inborn genetic diseases. Identifiers: MedGen C0950123, MeSH D030342.
Migraine, familial hemiplegic, 2. Identifiers: Orphanet 569, MedGen C1865322, MONDO:0011232, OMIM 602481.

Submissions (10):

Dasa
Classification: Pathogenic. Last evaluated: 2026-03-30. Review status: criteria provided, single submitter. Criteria: DASA Assertion Criteria. Collection method: clinical testing. Allele origin: germline.
Comment: NM_000702.4(ATP1A2):c.1091C>T (p.Thr364Met) is a missense variant that results in the substitution of threonine with methionine. De novo occurrence has been reported in an individual with related phenotype. Segregation evidence has been reported in affected families. This variant has been recurrently observed in individuals with related phenotype (PMID: 21172953; PMID: 27818813; PMID: 29413639). Multiple computational predictions support a deleterious effect on the gene or gene product. The variant is present at low frequency in population datasets. Based on the available data, this variant is classified as pathogenic.

Victorian Clinical Genetics Services, Murdoch Childrens Research Institute
Classification: Pathogenic for Migraine, familial hemiplegic, 2. Last evaluated: 2024-11-13. Review status: criteria provided, single submitter. Criteria: ACMG Guidelines, 2015. Collection method: clinical testing. Allele origin: germline. Affected: yes.
Comment: This variant is classified as Pathogenic. Evidence in support of pathogenic classification: Variant is absent from gnomAD (both v2 and v3); This variant has strong previous evidence of pathogenicity in unrelated individuals. It has been classified as pathogenic by multiple clinical laboratories in ClinVar, as well as two VUS entries. This variant has also reported as pathogenic in multiple unrelated individuals with either sporadic or familial hemiplegic migraine, and was proven to be de novo in at least two cases (PMID: 21172953, 27818813, 29413639, 29904856); Missense variant in a region that is highly intolerant to missense variation (high constraint region in DECIPHER); Missense variant predicted to be damaging by an in silico tool or highly conserved with a major amino acid change. Additional information: Variant is predicted to result in a missense amino acid change from threonine to methionine; This variant is heterozygous; This gene is associated with both recessive and dominant disease. However, the genotype-phenotype correlation in terms of location or variant types is currently unestablished (PMID: 19455354, 33880529); No published functional evidence has been identified for this variant; Loss of function is a known mechanism of disease in this gene and is associated with autosomal recessive fetal akinesia, respiratory insufficiency, microcephaly, polymicrogyria, and dysmorphic facies (MIM#619602). While functional studies have demonstrated loss of function for variants associated with autosomal dominant alternating hemiplegia of childhood 1 (MIM#104290), familial basilar migraine, (MIM#602481), familial hemiplegic migraine 2 (MIM#602481) and developmental and epileptic encephalopathy 98 (MIM#619605), dominant negative has not been definitively ruled out (PMID: 27445835, 33880529); Inheritance information for this variant is not currently available in this individual.

Baylor Genetics
Classification: Pathogenic for Migraine, familial hemiplegic, 2. Last evaluated: 2022-11-13. Review status: criteria provided, single submitter. Criteria: ACMG Guidelines, 2015. Collection method: clinical testing. Allele origin: unknown.

CeGaT Center for Human Genetics Tuebingen
Classification: Pathogenic. Last evaluated: 2022-04-01. Review status: criteria provided, single submitter. Criteria: CeGaT Center For Human Genetics Tuebingen Variant Classification Criteria Version 2. Collection method: clinical testing. Allele origin: germline. Affected: yes. Observed: 2 variant alleles.
Comment: ATP1A2: PM6:Strong, PM1, PM2, PS4:Moderate, PP3, PP4

Blueprint Genetics
Classification: Pathogenic for ATP1A2-related disorders. Last evaluated: 2021-03-08. Review status: criteria provided, single submitter. Criteria: ACMG Guidelines, 2015. Collection method: clinical testing. Allele origin: germline. Affected: yes. Observed: 2 variant alleles.

Athena Diagnostics
Classification: Pathogenic. Last evaluated: 2019-12-31. Review status: criteria provided, single submitter. Criteria: Athena Diagnostics Criteria. Collection method: clinical testing. Allele origin: unknown.
Comment: Not found in the total gnomAD dataset, and the data is high quality. Found in at least one patient with expected phenotype for this gene. Predicted to have a damaging effect on the protein. One other pathogenic or likely pathogenic variant affects the same amino acid. One de novo case with parental identity confirmed and one de novo case with parental identity not confirmed.

Ambry Genetics
Classification: Likely pathogenic for Inborn genetic diseases. Last evaluated: 2019-04-04. Review status: criteria provided, single submitter. Criteria: Ambry Variant Classification Scheme 2023. Collection method: clinical testing. Allele origin: germline.
Comment: The p.T364M variant (also known as c.1091C>T), located in coding exon 9 of the ATP1A2 gene, results from a C to T substitution at nucleotide position 1091. The threonine at codon 364 is replaced by methionine, an amino acid with similar properties. This variant was identified in 2 individuals with hemiplegic migraines, including a de novo case (Toldo I et al. Cephalalgia, 2011 Apr;31:751-6; Mart&iacute;nez E et al. Case Rep Neurol Med, 2016 Oct;2016:3464285). This variant also occurred de novo in a child with autism, abnormal hair and nail growth, episodes of arm movement and loss of awareness, and one episode of right sided weakness and non-fluent aphasia with left cranial headache (Benke PJ et al. Pediatr. Neurol., 2018 02;79:61-64). This amino acid position is highly conserved in available vertebrate species. In addition, this alteration is predicted to be deleterious by in silico analysis. Based on the majority of available evidence to date, this variant is likely to be pathogenic.

Clinical Genetics Laboratory, University Hospital Schleswig-Holstein
Classification: Pathogenic for Developmental and epileptic encephalopathy 98. Last evaluated: 2024-06-27. Review status: no assertion criteria provided. Collection method: clinical testing. Allele origin: germline. Affected: yes. Not counted in ClinVar's aggregate classification.

Clinical Genetics DNA and cytogenetics Diagnostics Lab, Erasmus MC, Erasmus Medical Center
Classification: Uncertain significance. Review status: no assertion criteria provided. Collection method: clinical testing. Allele origin: germline. Affected: yes. Study: VKGL Data-share Consensus. Not counted in ClinVar's aggregate classification.

Joint Genome Diagnostic Labs from Nijmegen and Maastricht, Radboudumc and MUMC+
Classification: Uncertain significance. Review status: no assertion criteria provided. Collection method: clinical testing. Allele origin: germline. Affected: yes. Study: VKGL Data-share Consensus. Not counted in ClinVar's aggregate classification.

Literature cited by the submitters: PubMed 21172953 (cited by 4 submitters); PubMed 27818813 (cited by 4 submitters); PubMed 29413639 (cited by 4 submitters); PubMed 27445835 (cited by Victorian Clinical Genetics Services, Murdoch Childrens Research Institute); PubMed 19455354 (cited by Victorian Clinical Genetics Services, Murdoch Childrens Research Institute); PubMed 29904856 (cited by Victorian Clinical Genetics Services, Murdoch Childrens Research Institute and Athena Diagnostics); PubMed 33880529 (cited by Victorian Clinical Genetics Services, Murdoch Childrens Research Institute).